The following is an entry in ClinVar:

NM_032520.5(GNPTG):c.382G>A (p.Ala128Thr)

Gene: GNPTG (N-acetylglucosamine-1-phosphate transferase subunit gamma; plus strand). Cytogenetic location: 16p13.3.
Variant type: single nucleotide variant.
Coding change: c.382G>A on transcript NM_032520.5 (MANE Select); coding-DNA position 382, G replaced by A.
Protein change: p.Ala128Thr; replaces alanine 128 with threonine.
Molecular consequence: missense variant.
Genome position (GRCh38, 1-based): chr16:1,362,102, G>A. VCF-style: chr16-1362102-G-A. GRCh37 (hg19) VCF-style: chr16-1412103-G-A.
Other names: short protein forms A128T.
Identifiers: ClinVar variation 2167147 (VCV002167147.1), dbSNP rs372319167, ClinGen allele CA7807659.

ClinVar aggregate classification (germline): Uncertain significance (1 of 4 stars; one submission).

Allele frequency attached by ClinVar (database versions not stated): gnomAD exomes below 0.00001; gnomAD 0.00005; TOPMed 0.00005; ESP Exome Variant Server 0.00015.
gnomAD v4.1: 16 of 1,610,458 alleles (0.00099%); highest among the groups gnomAD compares: African/African-American, 0.0067%; no homozygotes.

Submission:

Labcorp Genetics (formerly Invitae), Labcorp
Classification: Uncertain significance. Last evaluated: 2022-03-10. Review status: criteria provided, single submitter. Criteria: Invitae Variant Classification Sherloc (09022015). Collection method: clinical testing. Allele origin: germline.
Comment: This sequence change replaces alanine, which is neutral and non-polar, with threonine, which is neutral and polar, at codon 128 of the GNPTG protein (p.Ala128Thr). The frequency data for this variant in the population databases is considered unreliable, as metrics indicate poor data quality at this position in the gnomAD database. This variant has not been reported in the literature in individuals affected with GNPTG-related conditions. Algorithms developed to predict the effect of missense changes on protein structure and function (SIFT, PolyPhen-2, Align-GVGD) all suggest that this variant is likely to be tolerated. In summary, the available evidence is currently insufficient to determine the role of this variant in disease. Therefore, it has been classified as a Variant of Uncertain Significance.